The following is an entry in ClinVar:

NM_001130987.2(DYSF):c.3983C>T (p.Pro1328Leu)

Gene: DYSF (dysferlin; plus strand). Cytogenetic location: 2p13.2.
Variant type: single nucleotide variant.
Coding change: c.3983C>T on transcript NM_001130987.2 (MANE Select); coding-DNA position 3983, C replaced by T.
Protein change: p.Pro1328Leu; replaces proline 1328 with leucine.
Molecular consequence: missense variant.
Genome position (GRCh38, 1-based): chr2:71,611,270, C>T. VCF-style: chr2-71611270-C-T. GRCh37 (hg19) VCF-style: chr2-71838400-C-T.
Other names: c.3932C>T, p.Pro1311Leu (NM_001130455.2, NM_001130983.2); c.4022C>T, p.Pro1341Leu (NM_001130979.2); c.3980C>T, p.Pro1327Leu (NM_001130980.2, NM_001130981.2); c.4025C>T, p.Pro1342Leu (NM_001130982.2); c.3887C>T, p.Pro1296Leu (NM_001130976.2, NM_001130977.2); c.3929C>T, p.Pro1310Leu (NM_001130978.2, NM_003494.4); c.3890C>T, p.Pro1297Leu (NM_001130984.2, NM_001130986.2); c.3983C>T, p.Pro1328Leu (NM_001130985.2); short protein forms P1311L, P1342L, P1328L, P1310L, P1327L, P1341L, P1296L, P1297L.
Identifiers: ClinVar variation 950592 (VCV000950592.4), dbSNP rs1185353979, ClinGen allele CA347228131.

ClinVar aggregate classification (germline): Uncertain significance. Review status: criteria provided, single submitter (1 of 4 stars). 2 submissions from 2 submitters: Uncertain significance (1). 1 of the submissions does not count toward it. Last evaluated 2022-08-21.

Conditions:
Neuromuscular disease caused by qualitative or quantitative defects of dysferlin. Also called: Qualitative or quantitative defects of dysferlin; Dysferlinopathy. Identifiers: Orphanet 207073, MedGen C2931687, MONDO:0016145.
Autosomal recessive limb-girdle muscular dystrophy type 2B (LGMDR2). Also called: MUSCULAR DYSTROPHY, LIMB-GIRDLE, TYPE 3; MUSCULAR DYSTROPHY, LIMB-GIRDLE, AUTOSOMAL RECESSIVE 2; Limb-girdle muscular dystrophy, type 2B; Limb-Girdle Muscular Dystrophy Type 2B (LGMD2B). Identifiers: Orphanet 268, MedGen C1850889, MONDO:0009676, OMIM 253601.

Allele frequency attached by ClinVar (database versions not stated): gnomAD exomes below 0.00001; TOPMed below 0.00001; gnomAD 0.00001.
gnomAD v4.1: 2 of 1,613,918 alleles (0.00012%); highest among the groups gnomAD compares: African/African-American, 0.0013%; no homozygotes.

Submissions (2):

Labcorp Genetics (formerly Invitae), Labcorp
Classification: Uncertain significance for Neuromuscular disease caused by qualitative or quantitative defects of dysferlin. Last evaluated: 2022-08-21. Review status: criteria provided, single submitter. Criteria: Invitae Variant Classification Sherloc (09022015). Collection method: clinical testing. Allele origin: germline.
Comment: This sequence change replaces proline, which is neutral and non-polar, with leucine, which is neutral and non-polar, at codon 1310 of the DYSF protein (p.Pro1310Leu). This variant is not present in population databases (gnomAD no frequency). This variant has not been reported in the literature in individuals affected with DYSF-related conditions. ClinVar contains an entry for this variant (Variation ID: 950592). Advanced modeling of protein sequence and biophysical properties (such as structural, functional, and spatial information, amino acid conservation, physicochemical variation, residue mobility, and thermodynamic stability) performed at Invitae indicates that this missense variant is not expected to disrupt DYSF protein function. In summary, the available evidence is currently insufficient to determine the role of this variant in disease. Therefore, it has been classified as a Variant of Uncertain Significance.

Natera, Inc.
Classification: Uncertain significance for Limb-girdle muscular dystrophy type 2B. Last evaluated: 2021-04-23. Review status: no assertion criteria provided. Collection method: clinical testing. Allele origin: germline. Not counted in ClinVar's aggregate classification.